The following is an entry in ClinVar:

NM_032444.4(SLX4):c.535+6T>G

Gene: SLX4 (SLX4 structure-specific endonuclease subunit; minus strand). Cytogenetic location: 16p13.3.
Variant type: single nucleotide variant.
Coding change: c.535+6T>G on transcript NM_032444.4 (MANE Select); 6 bases into the intron after coding-DNA position 535, T replaced by G.
Molecular consequence: intron variant.
Genome position (GRCh38, 1-based): chr16:3,608,424, A>C on the plus strand (T>G on the coding strand, the complement: SLX4 is on the minus strand). VCF-style: chr16-3608424-A-C. GRCh37 (hg19) VCF-style: chr16-3658425-A-C.
Identifiers: ClinVar variation 1903643 (VCV001903643.5), dbSNP rs1357253371, ClinGen allele CA2580091096.

ClinVar aggregate classification (germline): Uncertain significance (1 of 4 stars; one submission).

Conditions:
Fanconi anemia (FA). Also called: Fanconi's anemia. Identifiers: Orphanet 84, MedGen C0015625, MeSH D005199, MONDO:0019391.

Submission:

Labcorp Genetics (formerly Invitae), Labcorp
Classification: Uncertain significance for Fanconi anemia. Last evaluated: 2022-07-26. Review status: criteria provided, single submitter. Criteria: Invitae Variant Classification Sherloc (09022015). Collection method: clinical testing. Allele origin: germline.
Comment: In summary, the available evidence is currently insufficient to determine the role of this variant in disease. Therefore, it has been classified as a Variant of Uncertain Significance. Variants that disrupt the consensus splice site are a relatively common cause of aberrant splicing (PMID: 17576681, 9536098). Algorithms developed to predict the effect of sequence changes on RNA splicing suggest that this variant is not likely to affect RNA splicing. This variant has not been reported in the literature in individuals affected with SLX4-related conditions. This variant is not present in population databases (gnomAD no frequency). This sequence change falls in intron 2 of the SLX4 gene. It does not directly change the encoded amino acid sequence of the SLX4 protein. It affects a nucleotide within the consensus splice site.

Literature cited by the submitters: PubMed 17576681; PubMed 9536098.